The following is an entry in ClinVar:

NM_000268.4(NF2):c.440A>C (p.Gln147Pro)

Gene: NF2 (NF2, moesin-ezrin-radixin like (MERLIN) tumor suppressor; plus strand). Cytogenetic location: 22q12.2.
Variant type: single nucleotide variant.
Coding change: c.440A>C on transcript NM_000268.4 (MANE Select); coding-DNA position 440, A replaced by C.
Protein change: p.Gln147Pro; replaces glutamine 147 with proline.
Molecular consequence: missense variant. On other transcripts: non-coding transcript variant (1).
Genome position (GRCh38, 1-based): chr22:29,642,278, A>C. VCF-style: chr22-29642278-A-C. GRCh37 (hg19) VCF-style: chr22-30038267-A-C.
Other names: c.440A>C, p.Gln147Pro (NM_016418.5, NM_181825.3, NM_181832.3 and 1 more transcripts); c.314A>C, p.Gln105Pro (NM_181828.3); c.317A>C, p.Gln106Pro (NM_181829.3); c.191A>C, p.Gln64Pro (NM_181830.3, NM_181831.3); short protein forms Q105P, Q106P, Q64P, Q147P.
Identifiers: ClinVar variation 1045411 (VCV001045411.9), dbSNP rs2065831928, ClinGen allele CA411153877.

ClinVar aggregate classification (germline): Uncertain significance (1 of 4 stars; one submission).

Conditions:
Neurofibromatosis, type 2 (SWNV). Also called: BILATERAL ACOUSTIC NEUROFIBROMATOSIS; NF2-Related Schwannomatosis; SCHWANNOMATOSIS, VESTIBULAR. Identifiers: Orphanet 637, MedGen C0027832, MONDO:0007039, OMIM 101000. Disease mechanism: loss of function.

Submission:

Labcorp Genetics (formerly Invitae), Labcorp
Classification: Uncertain significance for Neurofibromatosis, type 2. Last evaluated: 2020-10-18. Review status: criteria provided, single submitter. Criteria: Invitae Variant Classification Sherloc (09022015). Collection method: clinical testing. Allele origin: germline.
Comment: In summary, the available evidence is currently insufficient to determine the role of this variant in disease. Therefore, it has been classified as a Variant of Uncertain Significance. Algorithms developed to predict the effect of missense changes on protein structure and function (SIFT, PolyPhen-2, Align-GVGD) all suggest that this variant is likely to be disruptive, but these predictions have not been confirmed by published functional studies and their clinical significance is uncertain. This variant has not been reported in the literature in individuals with NF2-related conditions. This variant is not present in population databases (ExAC no frequency). This sequence change replaces glutamine with proline at codon 147 of the NF2 protein (p.Gln147Pro). The glutamine residue is moderately conserved and there is a moderate physicochemical difference between glutamine and proline.